The following is an entry in ClinVar:

NM_014679.5(CEP57):c.298G>C (p.Glu100Gln)

Gene: CEP57 (centrosomal protein 57; plus strand). Cytogenetic location: 11q21.
Variant type: single nucleotide variant.
Coding change: c.298G>C on transcript NM_014679.5 (MANE Select); coding-DNA position 298, G replaced by C.
Protein change: p.Glu100Gln; replaces glutamic acid 100 with glutamine.
Molecular consequence: missense variant.
Genome position (GRCh38, 1-based): chr11:95,813,027, G>C. VCF-style: chr11-95813027-G-C. GRCh37 (hg19) VCF-style: chr11-95546191-G-C.
Other names: c.271G>C, p.Glu91Gln (NM_001243776.2); c.298G>C, p.Glu100Gln (NM_001243777.2); c.217G>C, p.Glu73Gln (NM_001363604.2); short protein forms E100Q, E91Q, E73Q.
Identifiers: ClinVar variation 4001090 (VCV004001090.2).
Genomic context (GRCh38, chr11:95,813,027, plus strand): 5'-ATTCGACGCTTGGAACTTGAGAGGATTCAGGCAGAAGAAAGTGTGAAAACCTTGTCTAGA[G>C]AAACAATTGAATATAAGAAAGTACTGGATGAACAGATACAAGAAAGGGAGAATTCAAAGA-3'
Protein context (NP_055494.2, residues 90-110): AEESVKTLSR[Glu100Gln]TIEYKKVLDE

ClinVar aggregate classification (germline): Uncertain significance (1 of 4 stars; one submission).

Conditions:
Inborn genetic diseases. Identifiers: MedGen C0950123, MeSH D030342.

gnomAD v4.1: 3 of 1,613,786 alleles (0.00019%); highest among the groups gnomAD compares: African/African-American, 0.004%; no homozygotes.

Submission:

Ambry Genetics
Classification: Uncertain significance for Inborn genetic diseases. Last evaluated: 2025-07-25. Review status: criteria provided, single submitter. Criteria: Ambry Variant Classification Scheme 2023. Collection method: clinical testing. Allele origin: germline.
Comment: The p.E100Q variant (also known as c.298G>C), located in coding exon 3 of the CEP57 gene, results from a G to C substitution at nucleotide position 298. The glutamic acid at codon 100 is replaced by glutamine, an amino acid with highly similar properties. This amino acid position is conserved. In addition, this alteration is predicted to be deleterious by in silico analysis. Based on the available evidence, the clinical significance of this variant remains unclear.